The following is an entry in ClinVar:

NM_032444.4(SLX4):c.4400G>A (p.Cys1467Tyr)

Gene: SLX4 (SLX4 structure-specific endonuclease subunit; minus strand). Cytogenetic location: 16p13.3.
Variant type: single nucleotide variant.
Coding change: c.4400G>A on transcript NM_032444.4 (MANE Select); coding-DNA position 4400, G replaced by A.
Protein change: p.Cys1467Tyr; replaces cysteine 1467 with tyrosine.
Molecular consequence: missense variant.
Genome position (GRCh38, 1-based): chr16:3,589,238, C>T on the plus strand (G>A on the coding strand, the complement: SLX4 is on the minus strand). VCF-style: chr16-3589238-C-T. GRCh37 (hg19) VCF-style: chr16-3639239-C-T.
Other names: short protein forms C1467Y.
Identifiers: ClinVar variation 2902401 (VCV002902401.3), dbSNP rs2151121342, ClinGen allele CA394517213.

ClinVar aggregate classification (germline): Uncertain significance (1 of 4 stars; one submission).

Conditions:
Fanconi anemia (FA). Also called: Fanconi's anemia. Identifiers: Orphanet 84, MedGen C0015625, MeSH D005199, MONDO:0019391.

Allele frequency attached by ClinVar (database versions not stated): gnomAD exomes below 0.00001.
gnomAD v4.1: 2 of 1,608,644 alleles (0.00012%); highest among the groups gnomAD compares: Non-Finnish European, 0.00017%; no homozygotes.

Submission:

Labcorp Genetics (formerly Invitae), Labcorp
Classification: Uncertain significance for Fanconi anemia. Last evaluated: 2022-11-02. Review status: criteria provided, single submitter. Criteria: Invitae Variant Classification Sherloc (09022015). Collection method: clinical testing. Allele origin: germline.
Comment: In summary, the available evidence is currently insufficient to determine the role of this variant in disease. Therefore, it has been classified as a Variant of Uncertain Significance. Algorithms developed to predict the effect of missense changes on protein structure and function (SIFT, PolyPhen-2, Align-GVGD) all suggest that this variant is likely to be tolerated. This variant has not been reported in the literature in individuals affected with SLX4-related conditions. This variant is not present in population databases (gnomAD no frequency). This sequence change replaces cysteine, which is neutral and slightly polar, with tyrosine, which is neutral and polar, at codon 1467 of the SLX4 protein (p.Cys1467Tyr).